The following is an entry in ClinVar:

ClinVar aggregate classification (germline): Likely pathogenic. Review status: criteria provided, multiple submitters, no conflicts (2 of 4 stars). 2 submissions from 2 submitters: Likely pathogenic (2). Last evaluated 2026-01-16.

Conditions:
Cardiovascular phenotype. Identifiers: MedGen CN230736.
Dilated cardiomyopathy 1G (CMD1G). Identifiers: Orphanet 154, MedGen C1858763, MONDO:0011400, OMIM 604145.
Autosomal recessive limb-girdle muscular dystrophy type 2J (LGMDR10). Also called: Limb-girdle muscular dystrophy, type 2J; MUSCULAR DYSTROPHY, LIMB-GIRDLE, AUTOSOMAL RECESSIVE 10. Identifiers: Orphanet 140922, MedGen C1837342, MONDO:0012127, OMIM 608807.

Submissions (2):

Labcorp Genetics (formerly Invitae), Labcorp
Classification: Likely pathogenic for Dilated cardiomyopathy 1G; Autosomal recessive limb-girdle muscular dystrophy type 2J. Last evaluated: 2026-01-16. Review status: criteria provided, single submitter. Criteria: Invitae Variant Classification Sherloc (09022015). Collection method: clinical testing. Allele origin: germline.
Comment: This sequence change affects an acceptor splice site in intron 275 of the TTN gene. It is expected to disrupt RNA splicing and likely results in a truncated or disrupted TTN protein. This variant is not present in population databases (gnomAD no frequency). This variant has not been reported in the literature in individuals affected with TTN-related conditions. ClinVar contains an entry for this variant (Variation ID: 963944). Algorithms developed to predict the effect of sequence changes on RNA splicing suggest that this variant may disrupt the consensus splice site. This variant is located in the A band of TTN (PMID: 25589632). Truncating variants in this region are significantly overrepresented in patients affected with dilated cardiomyopathy (PMID: 25589632). Truncating variants in this region have also been reported in individuals affected with autosomal recessive centronuclear myopathy (PMID: 23975875). In summary, the currently available evidence indicates that the variant is pathogenic, but additional data are needed to prove that conclusively. Therefore, this variant has been classified as Likely Pathogenic.

Ambry Genetics
Classification: Likely pathogenic for Cardiovascular phenotype. Last evaluated: 2025-04-04. Review status: criteria provided, single submitter. Criteria: Ambry Variant Classification Scheme 2023. Collection method: clinical testing. Allele origin: germline.
Comment: The c.25511-1G>C intronic variant results from a G to C substitution one nucleotide upstream from coding exon 103 of the TTN gene. This exon is located in the A-band region of the N2-B isoform of the titin protein and is constitutively expressed in TTN transcripts (percent spliced in or PSI 100%). This nucleotide position is highly conserved in available vertebrate species. In silico splice site analysis predicts that this alteration will weaken the native splice acceptor site. This variant is considered to be rare based on population cohorts in the Genome Aggregation Database (gnomAD). This variant was reported in individual(s) with features consistent with dilated cardiomyopathy (Ambry internal data). This variant disrupts the canonical splice site and is expected to cause aberrant splicing, resulting in an abnormal protein or a transcript that is subject to nonsense-mediated mRNA decay. While loss of function variants in TTN are present in 1-3% of the general population, truncating variants (a category that includes canonical splice site variants) in the A-band are the most common cause of dilated cardiomyopathy (DCM) (Herman DS et al. N. Engl. J. Med., 2012 Feb;366:619-28; Roberts AM et al. Sci Transl Med, 2015 Jan;7:270ra6). TTN truncating variants encoded in constitutive exons (PSI >90%) have been found to be significantly associated with DCM regardless of their position in titin (Schafer S et al. Nat. Genet., 2017 01;49:46-53; Akhtar MM et al. Circ Heart Fail, 2020 Oct;13:e006832; Massier M et al. Clin Genet, 2025 Jan). Based on the majority of available evidence to date, this variant is likely to be pathogenic.

Literature cited by the submitters: PubMed 25589632 (cited by Labcorp Genetics (formerly Invitae), Labcorp); PubMed 23975875 (cited by Labcorp Genetics (formerly Invitae), Labcorp).

NM_001267550.2(TTN):c.52706-1G>C

Genes: TTN-AS1 (TTN antisense RNA 1; plus strand), TTN (titin; minus strand), LOC126806425 (BRD4-independent group 4 enhancer GRCh37_chr2:179471933-179473132; plus strand). Cytogenetic location: 2q31.2.
Variant type: single nucleotide variant.
Coding change: c.52706-1G>C on transcript NM_001267550.2 (MANE Select); the canonical splice acceptor site of the intron before coding-DNA position 52706, G replaced by C.
Molecular consequence: splice acceptor variant.
Genome position (GRCh38, 1-based): chr2:178,608,082, C>G on the plus strand (G>C on the coding strand, the complement: TTN is on the minus strand). VCF-style: chr2-178608082-C-G. GRCh37 (hg19) VCF-style: chr2-179472809-C-G.
Other names: c.25511-1G>C (NM_003319.4); c.26087-1G>C (NM_133437.4); c.25886-1G>C (NM_133432.3); c.45002-1G>C (NM_133378.4); c.47783-1G>C (NM_001256850.1).
Identifiers: ClinVar variation 963944 (VCV000963944.11), dbSNP rs2055351447, ClinGen allele CA349571587.